The following is an entry in ClinVar:

NM_016239.4(MYO15A):c.5536del (p.Cys1846fs)

Gene: MYO15A (myosin XVA; plus strand). Cytogenetic location: 17p11.2.
Variant type: Deletion.
Coding change: c.5536del on transcript NM_016239.4 (MANE Select); coding-DNA position 5536, one base deleted (T; older notation c.5536delT).
Protein change: p.Cys1846fs; shifts the reading frame from cysteine 1846.
Molecular consequence: frameshift variant.
Genome position (GRCh38, 1-based): chr17:18,141,657, T deleted. VCF-style (leftmost placement, unchanged base first): chr17-18141656-CT-C. GRCh37 (hg19) VCF-style: chr17-18044970-CT-C.
Other names: short protein forms C1846fs.
Identifiers: ClinVar variation 3601361 (VCV003601361.1).

ClinVar aggregate classification (germline): Pathogenic (1 of 4 stars; one submission).

Conditions:
Autosomal recessive nonsyndromic hearing loss 3. Also called: NEUROSENSORY NONSYNDROMIC RECESSIVE DEAFNESS 3. Identifiers: Orphanet 90636, MedGen C1838263, MONDO:0010860, OMIM 600316.

Submission:

Institute of Rare Diseases, West China Hospital, Sichuan University
Classification: Pathogenic for Autosomal recessive nonsyndromic hearing loss 3. Last evaluated: 2025-01-09. Review status: criteria provided, single submitter. Criteria: ClinGen HL ACMG Specifications v1. Collection method: research. Allele origin: germline. Affected: yes.
Comment: PVS1;PM3;PM2_Supporting